The following is an entry in ClinVar:

ClinVar aggregate classification (germline): Uncertain significance (1 of 4 stars; one submission).

Conditions:
Gastrointestinal stromal tumor. Also called: Gastrointestinal stromal tumor, somatic; Gastrointestinal stroma tumor. Identifiers: Orphanet 44890, MedGen C0238198, MeSH D046152, MONDO:0011719, OMIM 606764, HP:0100723.

gnomAD v4.1: 1 of 1,607,356 alleles (0.000062%); highest among the groups gnomAD compares: African/African-American, 0.0013%; no homozygotes.

Submission:

Labcorp Genetics (formerly Invitae), Labcorp
Classification: Uncertain significance for Gastrointestinal stromal tumor. Last evaluated: 2025-08-29. Review status: criteria provided, single submitter. Criteria: Invitae Variant Classification Sherloc (09022015). Collection method: clinical testing. Allele origin: germline.
Comment: This sequence change falls in intron 10 of the PDGFRA gene. It does not directly change the encoded amino acid sequence of the PDGFRA protein. This variant is not present in population databases (gnomAD no frequency). This variant has not been reported in the literature in individuals affected with PDGFRA-related conditions. Algorithms developed to predict the effect of sequence changes on RNA splicing suggest that this variant may disrupt the consensus splice site. In summary, the available evidence is currently insufficient to determine the role of this variant in disease. Therefore, it has been classified as a Variant of Uncertain Significance.

NM_006206.6(PDGFRA):c.1559-8T>A

Gene: PDGFRA (platelet derived growth factor receptor alpha; plus strand). Cytogenetic location: 4q12.
Variant type: single nucleotide variant.
Coding change: c.1559-8T>A on transcript NM_006206.6 (MANE Select); 8 bases into the intron before coding-DNA position 1559, T replaced by A.
Molecular consequence: intron variant.
Genome position (GRCh38, 1-based): chr4:54,274,523, T>A. VCF-style: chr4-54274523-T-A. GRCh37 (hg19) VCF-style: chr4-55140690-T-A.
Other names: c.1634-8T>A (NM_001347828.2); c.1559-8T>A (NM_001347827.2, NM_001347829.2); c.1598-8T>A (NM_001347830.2).
Identifiers: ClinVar variation 4726156 (VCV004726156.1).